The following is an entry in ClinVar:

NM_001042492.3(NF1):c.1623T>A (p.Ile541=)

Gene: NF1 (neurofibromin 1; plus strand). Cytogenetic location: 17q11.2.
Variant type: single nucleotide variant.
Coding change: c.1623T>A on transcript NM_001042492.3 (MANE Select); coding-DNA position 1623, T replaced by A.
Protein change: p.Ile541=; no amino-acid change (isoleucine 541 retained).
Molecular consequence: synonymous variant.
Genome position (GRCh38, 1-based): chr17:31,219,100, T>A. VCF-style: chr17-31219100-T-A. GRCh37 (hg19) VCF-style: chr17-29546118-T-A.
Other names: c.1623T>A, p.Ile541= (NM_000267.4, NM_001128147.3).
Identifiers: ClinVar variation 725207 (VCV000725207.15), dbSNP rs1597703569, ClinGen allele CA499226972.

ClinVar aggregate classification (germline): Benign/Likely benign. Review status: criteria provided, multiple submitters, no conflicts (2 of 4 stars). 4 submissions from 4 submitters: Benign (1); Likely benign (3). Last evaluated 2026-05-15.

Conditions:
Hereditary cancer-predisposing syndrome. Also called: Hereditary Cancer Syndrome; Hereditary neoplastic syndrome; Neoplastic Syndromes, Hereditary; Tumor predisposition. Identifiers: Orphanet 140162, MedGen C0027672, MeSH D009386, MONDO:0015356.
Cardiovascular phenotype. Identifiers: MedGen CN230736.
Neurofibromatosis, type 1 (NF1). Also called: Neurofibromatosis, type I; VON RECKLINGHAUSEN DISEASE; NEUROFIBROMATOSIS, TYPE I, SOMATIC; Peripheral type neurofibromatosis. Identifiers: Orphanet 636, MedGen C0027831, MONDO:0018975, OMIM 162200. Disease mechanism: loss of function.

Allele frequency attached by ClinVar (database versions not stated): gnomAD exomes 0.00001.
gnomAD v4.1: 8 of 1,613,736 alleles (0.0005%); highest among the groups gnomAD compares: Non-Finnish European, 0.00068%; no homozygotes.

Submissions (4):

Myriad Genetics, Inc.
Classification: Benign for Neurofibromatosis, type 1. Last evaluated: 2026-05-15. Review status: criteria provided, single submitter. Criteria: Myriad Autosomal Dominant, Autosomal Recessive and X-Linked Classification Criteria (2023). Collection method: clinical testing. Allele origin: unknown.
Comment: This variant is considered benign. This variant is a silent/synonymous amino acid change and it is not expected to impact splicing.

Labcorp Genetics (formerly Invitae), Labcorp
Classification: Likely benign for Neurofibromatosis, type 1. Last evaluated: 2025-11-05. Review status: criteria provided, single submitter. Criteria: Invitae Variant Classification Sherloc (09022015). Collection method: clinical testing. Allele origin: germline.

Genome-Nilou Lab
Classification: Likely benign for Neurofibromatosis, type 1. Last evaluated: 2022-03-15. Review status: criteria provided, single submitter. Criteria: ACMG Guidelines, 2015. Collection method: clinical testing. Allele origin: germline. Affected: no.

Ambry Genetics
Classification: Likely benign for Cardiovascular phenotype; Hereditary cancer-predisposing syndrome. Last evaluated: 2019-12-19. Review status: criteria provided, single submitter. Criteria: Ambry Variant Classification Scheme 2023. Collection method: clinical testing. Allele origin: germline.